The following is an entry in ClinVar:

NM_033380.3(COL4A5):c.1588-2A>T

Gene: COL4A5 (collagen type IV alpha 5 chain; plus strand). Cytogenetic location: Xq22.3.
Variant type: single nucleotide variant.
Coding change: c.1588-2A>T on transcript NM_033380.3 (MANE Select); the canonical splice acceptor site of the intron before coding-DNA position 1588, A replaced by T.
Molecular consequence: splice acceptor variant.
Genome position (GRCh38, 1-based): chrX:108,597,375, A>T. VCF-style: chrX-108597375-A-T. GRCh37 (hg19) VCF-style: chrX-107840605-A-T.
Other names: c.1588-2A>T (NM_000495.5).
Identifiers: ClinVar variation 2124961 (VCV002124961.5), dbSNP rs2524307697, ClinGen allele CA413845194.

ClinVar aggregate classification (germline): Likely pathogenic (1 of 4 stars; one submission).

Submissions (2):

Labcorp Genetics (formerly Invitae), Labcorp
Classification: Likely pathogenic. Last evaluated: 2022-04-11. Review status: criteria provided, single submitter. Criteria: Invitae Variant Classification Sherloc (09022015). Collection method: clinical testing. Allele origin: germline.
Comment: In summary, the currently available evidence indicates that the variant is pathogenic, but additional data are needed to prove that conclusively. Therefore, this variant has been classified as Likely Pathogenic. Algorithms developed to predict the effect of sequence changes on RNA splicing suggest that this variant may disrupt the consensus splice site. Disruption of this splice site has been observed in individual(s) with clinical features of Alport syndrome (PMID: 29270492; Invitae). This variant is not present in population databases (gnomAD no frequency). This sequence change affects an acceptor splice site in intron 23 of the COL4A5 gene. It is expected to disrupt RNA splicing. Variants that disrupt the donor or acceptor splice site typically lead to a loss of protein function (PMID: 16199547), and loss-of-function variants in COL4A5 are known to be pathogenic (PMID: 9195222, 10752524, 14514738, 24854265, 26809805).

Dr. Peter K. Rogan Lab, Western University
No classification provided (evidence only). Condition: Nonpapillary renal cell carcinoma. Review status: no classification provided. Collection method: in vitro. Allele origin: not applicable. Functional consequence: retained intron. Not counted in ClinVar's aggregate classification.

Literature cited by the submitters: PubMed 29270492 (cited by Labcorp Genetics (formerly Invitae), Labcorp); PubMed 16199547 (cited by Labcorp Genetics (formerly Invitae), Labcorp); PubMed 9195222 (cited by Labcorp Genetics (formerly Invitae), Labcorp); PubMed 10752524 (cited by Labcorp Genetics (formerly Invitae), Labcorp); PubMed 14514738 (cited by Labcorp Genetics (formerly Invitae), Labcorp); PubMed 24854265 (cited by Labcorp Genetics (formerly Invitae), Labcorp); PubMed 26809805 (cited by Labcorp Genetics (formerly Invitae), Labcorp).